The following is an entry in ClinVar:

ClinVar aggregate classification (germline): Uncertain significance (1 of 4 stars; one submission).

Conditions:
Cystic fibrosis (CF). Also called: MUCOVISCIDOSIS. Identifiers: Orphanet 586, MedGen C0010674, MONDO:0009061, OMIM 219700. Disease mechanism: loss of function.

gnomAD v4.1: 1 of 1,611,328 alleles (0.000062%); highest among the groups gnomAD compares: Non-Finnish European, 0.000085%; no homozygotes.

Submission:

Labcorp Genetics (formerly Invitae), Labcorp
Classification: Uncertain significance for Cystic fibrosis. Last evaluated: 2026-01-24. Review status: criteria provided, single submitter. Criteria: Invitae Variant Classification Sherloc (09022015). Collection method: clinical testing. Allele origin: germline.
Comment: This sequence change replaces leucine, which is neutral and non-polar, with proline, which is neutral and non-polar, at codon 548 of the CFTR protein (p.Leu548Pro). This variant is present in population databases (no rsID available, gnomAD 0.0009%). This variant has not been reported in the literature in individuals affected with CFTR-related conditions. Invitae Evidence Modeling of protein sequence and biophysical properties (such as structural, functional, and spatial information, amino acid conservation, physicochemical variation, residue mobility, and thermodynamic stability) indicates that this missense variant is expected to disrupt CFTR protein function with a positive predictive value of 80%. In summary, the available evidence is currently insufficient to determine the role of this variant in disease. Therefore, it has been classified as a Variant of Uncertain Significance.

NM_000492.4(CFTR):c.1643T>C (p.Leu548Pro)

Genes: CFTR (CF transmembrane conductance regulator; plus strand), LOC111674475 (CFTR intron 11 enhancer; plus strand). Cytogenetic location: 7q31.2.
Variant type: single nucleotide variant.
Coding change: c.1643T>C on transcript NM_000492.4 (MANE Select); coding-DNA position 1643, T replaced by C.
Protein change: p.Leu548Pro; replaces leucine 548 with proline.
Molecular consequence: missense variant.
Genome position (GRCh38, 1-based): chr7:117,587,797, T>C. VCF-style: chr7-117587797-T-C. GRCh37 (hg19) VCF-style: chr7-117227851-T-C.
Other names: short protein forms L548P.
Identifiers: ClinVar variation 4696125 (VCV004696125.1).